The following is an entry in ClinVar:

NM_003193.5(TBCE):c.1042G>A (p.Asp348Asn)

Gene: TBCE (tubulin folding cofactor E; plus strand). Cytogenetic location: 1q42.3.
Variant type: single nucleotide variant.
Coding change: c.1042G>A on transcript NM_003193.5 (MANE Select); coding-DNA position 1042, G replaced by A.
Protein change: p.Asp348Asn; replaces aspartic acid 348 with asparagine.
Molecular consequence: missense variant.
Genome position (GRCh38, 1-based): chr1:235,437,400, G>A. VCF-style: chr1-235437400-G-A. GRCh37 (hg19) VCF-style: chr1-235600715-G-A.
Other names: c.1042G>A, p.Asp348Asn (NM_001079515.3); c.1195G>A, p.Asp399Asn (NM_001287801.2); c.703G>A, p.Asp235Asn (NM_001287802.2); short protein forms D235N, D348N, D399N.
Identifiers: ClinVar variation 2128611 (VCV002128611.4), dbSNP rs1681531794, ClinGen allele CA344942445.
Genomic context (GRCh38, chr1:235,437,400, plus strand): 5'-CTAGAGAAGTTACCAAGTCTACGGGCTTTGTCCTGCCTAAGAAACCCCCTGACCAAAGAG[G>A]ACAAAGAAGCAGAGACGGCGCGACTACTCATTATCGCCAGCATTGGCCAGCTGAAGACGC-3'
Protein context (NP_003184.1, residues 338-358): SCLRNPLTKE[Asp348Asn]KEAETARLLI

ClinVar aggregate classification (germline): Uncertain significance (1 of 4 stars; one submission).

Submission:

Labcorp Genetics (formerly Invitae), Labcorp
Classification: Uncertain significance. Last evaluated: 2024-08-12. Review status: criteria provided, single submitter. Criteria: Invitae Variant Classification Sherloc (09022015). Collection method: clinical testing. Allele origin: germline.
Comment: This sequence change replaces aspartic acid, which is acidic and polar, with asparagine, which is neutral and polar, at codon 348 of the TBCE protein (p.Asp348Asn). This variant is not present in population databases (gnomAD no frequency). This variant has not been reported in the literature in individuals affected with TBCE-related conditions. ClinVar contains an entry for this variant (Variation ID: 2128611). Advanced modeling of protein sequence and biophysical properties (such as structural, functional, and spatial information, amino acid conservation, physicochemical variation, residue mobility, and thermodynamic stability) performed at Invitae indicates that this missense variant is not expected to disrupt TBCE protein function with a negative predictive value of 80%. In summary, the available evidence is currently insufficient to determine the role of this variant in disease. Therefore, it has been classified as a Variant of Uncertain Significance.